The following is an entry in ClinVar:

ClinVar aggregate classification (germline): Pathogenic. Review status: criteria provided, multiple submitters, no conflicts (2 of 4 stars). 2 submissions from 2 submitters: Pathogenic (2). Last evaluated 2019-07-01.

Conditions:
DICER1-related tumor predisposition. Also called: DICER1 syndrome; DICER1-related pleuropulmonary blastoma cancer predisposition syndrome. Identifiers: Orphanet 284343, MedGen C3839822, MONDO:0100216.
Pineoblastoma. Identifiers: Orphanet 251909, MedGen C0205898, MONDO:0016722, HP:0030408.

Submissions (2):

Foulkes Cancer Genetics LDI, Lady Davis Institute for Medical Research
Classification: Pathogenic for Pleuropulmonary blastoma. Last evaluated: 2019-07-01. Review status: criteria provided, single submitter. Criteria: ACMG Guidelines, 2015. Collection method: curation. Allele origin: germline. Affected: yes. Observed: 1 variant allele.
Comment: ACMG criteria met: PVS1, PM2, PM7

Lupski Lab, Baylor-Hopkins CMG, Baylor College of Medicine
Classification: Pathogenic for Pineoblastoma. Last evaluated: 2014-07-15. Review status: criteria provided, single submitter. Criteria: de Kock et al. (Acta Neuropathol. 2014). Collection method: research. Allele origin: germline. Inheritance: Autosomal dominant inheritance. Affected: yes. Observed: 1 variant allele.

Literature cited by the submitters: PubMed 25022261 (cited by Foulkes Cancer Genetics LDI, Lady Davis Institute for Medical Research).

NM_177438.3(DICER1):c.1498A>T (p.Lys500Ter)

Gene: DICER1 (dicer 1, ribonuclease III; minus strand). Cytogenetic location: 14q32.13.
Variant type: single nucleotide variant.
Coding change: c.1498A>T on transcript NM_177438.3 (MANE Select); coding-DNA position 1498, A replaced by T.
Protein change: p.Lys500Ter; replaces lysine 500 with a stop codon.
Molecular consequence: nonsense.
Genome position (GRCh38, 1-based): chr14:95,117,633, T>A on the plus strand (A>T on the coding strand, the complement: DICER1 is on the minus strand). VCF-style: chr14-95117633-T-A. GRCh37 (hg19) VCF-style: chr14-95583970-T-A.
Other names: c.1498A>T, p.Lys500Ter (NM_001195573.1, NM_001271282.3, NM_001291628.2 and 1 more transcripts); short protein forms K500*.
Identifiers: ClinVar variation 225886 (VCV000225886.4), dbSNP rs875989782, ClinGen allele CA10576131.